The following is an entry in ClinVar:

ClinVar aggregate classification (germline): Likely benign (1 of 4 stars; one submission).

Allele frequency attached by ClinVar (database versions not stated): 1000 Genomes Project 0.00399; 1000 Genomes Project 30x 0.00453; TOPMed 0.00904; gnomAD 0.00972 and 0.00974.
gnomAD v4.1: 1,459 of 151,412 alleles (0.96%); highest among the groups gnomAD compares: Non-Finnish European, 1.7%; 14 homozygotes.

Submission:

GeneDx
Classification: Likely benign. Last evaluated: 2018-06-16. Review status: criteria provided, single submitter. Criteria: GeneDx Variant Classification (06012015). Collection method: clinical testing. Allele origin: germline. Affected: yes.
Comment: This variant is considered likely benign or benign based on one or more of the following criteria: it is a conservative change, it occurs at a poorly conserved position in the protein, it is predicted to be benign by multiple in silico algorithms, and/or has population frequency not consistent with disease.

NM_006796.3(AFG3L2):c.752+191G>A

Gene: AFG3L2 (AFG3 like matrix AAA peptidase subunit 2; minus strand). Cytogenetic location: 18p11.21.
Variant type: single nucleotide variant.
Coding change: c.752+191G>A on transcript NM_006796.3 (MANE Select); 191 bases into the intron after coding-DNA position 752, G replaced by A.
Molecular consequence: intron variant.
Genome position (GRCh38, 1-based): chr18:12,359,736, C>T on the plus strand (G>A on the coding strand, the complement: AFG3L2 is on the minus strand). VCF-style: chr18-12359736-C-T. GRCh37 (hg19) VCF-style: chr18-12359735-C-T.
Identifiers: ClinVar variation 673720 (VCV000673720.1), dbSNP rs116875947, ClinGen allele CA296707372.